The following is an entry in ClinVar:

ClinVar aggregate classification (germline): Uncertain significance (1 of 4 stars; one submission).

Allele frequency attached by ClinVar (database versions not stated): gnomAD exomes below 0.00001.
gnomAD v4.1: 1 of 1,614,052 alleles (0.000062%); highest among the groups gnomAD compares: East Asian, 0.0022%; no homozygotes.

Submission:

Ambry Genetics
Classification: Uncertain significance. Last evaluated: 2023-10-19. Review status: criteria provided, single submitter. Criteria: Ambry Variant Classification Scheme 2023. Collection method: clinical testing. Allele origin: germline.
Comment: The p.E147D variant (also known as c.441G>T), located in coding exon 5 of the NEBL gene, results from a G to T substitution at nucleotide position 441. The glutamic acid at codon 147 is replaced by aspartic acid, an amino acid with highly similar properties. This amino acid position is conserved. In addition, this alteration is predicted to be tolerated by in silico analysis. Since supporting evidence is limited at this time, the clinical significance of this alteration remains unclear.

NM_006393.3(NEBL):c.441G>T (p.Glu147Asp)

Gene: NEBL (nebulette; minus strand). Cytogenetic location: 10p12.31.
Variant type: single nucleotide variant.
Coding change: c.441G>T on transcript NM_006393.3 (MANE Select); coding-DNA position 441, G replaced by T.
Protein change: p.Glu147Asp; replaces glutamic acid 147 with aspartic acid.
Molecular consequence: missense variant. On other transcripts: intron variant (9).
Genome position (GRCh38, 1-based): chr10:20,880,833, C>A on the plus strand (G>T on the coding strand, the complement: NEBL is on the minus strand). VCF-style: chr10-20880833-C-A. GRCh37 (hg19) VCF-style: chr10-21169762-C-A.
Other names: c.250-67893G>T (NM_001377326.1, NM_001377327.1, NM_001377328.1); c.358-67893G>T (NM_213569.2, NM_001173484.2, NM_001377322.1); c.301-67893G>T (NM_001377324.1); c.292-67893G>T (NM_001377325.1); c.310-67893G>T (NM_001377323.1); short protein forms E147D.
Identifiers: ClinVar variation 3225579 (VCV003225579.1), dbSNP rs1400126623, ClinGen allele CA376104519.
Genomic context (GRCh38, chr10:20,880,833, plus strand): 5'-ATGAGAAATGCGCTTCCTTACATTACTCTGGTGTTTATTGACCTCCATGGCATGTTTAAC[C>A]TCAGGGGGCTCCTTCATGTGGGCATAATCTGAGAATCCTTTGGCAGCATCATGTTTCTGC-3'
Protein context (NP_006384.1, residues 137-157): SDYAHMKEPP[Glu147Asp]VKHAMEVNKH